The following is an entry in ClinVar:

ClinVar aggregate classification (germline): Benign. Review status: criteria provided, multiple submitters, no conflicts (2 of 4 stars). 3 submissions from 3 submitters: Benign (2). 1 of the submissions does not count toward it. Last evaluated 2026-02-04.

Conditions:
Intellectual developmental disorder, autosomal dominant 54. Also called: MENTAL RETARDATION, AUTOSOMAL DOMINANT 54; Intellectual disability, autosomal dominant 54. Identifiers: MedGen C4540484, MONDO:0030920, OMIM 617799.
CAMK2B-related disorder. Also called: CAMK2B-related condition.

Allele frequency attached by ClinVar (database versions not stated): 1000 Genomes Project 30x 0.33666; 1000 Genomes Project 0.34165; TOPMed 0.34659; ESP Exome Variant Server 0.35960.
gnomAD v4.1: 662,020 of 1,612,312 alleles (41%); highest among the groups gnomAD compares: South Asian, 43%; 138,916 homozygotes.

Submissions (3):

Labcorp Genetics (formerly Invitae), Labcorp
Classification: Benign. Last evaluated: 2026-02-04. Review status: criteria provided, single submitter. Criteria: Invitae Variant Classification Sherloc (09022015). Collection method: clinical testing. Allele origin: germline.

Genome-Nilou Lab
Classification: Benign for Intellectual developmental disorder, autosomal dominant 54. Last evaluated: 2021-07-14. Review status: criteria provided, single submitter. Criteria: ACMG Guidelines, 2015. Collection method: clinical testing. Allele origin: germline. Affected: no.

PreventionGenetics, part of Exact Sciences
Classification: Benign for CAMK2B-related condition. Last evaluated: 2019-07-16. Review status: no assertion criteria provided. Collection method: clinical testing. Allele origin: germline. Not counted in ClinVar's aggregate classification.
Comment: This variant is classified as benign based on ACMG/AMP sequence variant interpretation guidelines (Richards et al. 2015 PMID: 25741868, with internal and published modifications).

NM_001220.5(CAMK2B):c.1791G>A (p.Pro597=)

Gene: CAMK2B (calcium/calmodulin dependent protein kinase II beta; minus strand). Cytogenetic location: 7p13.
Variant type: single nucleotide variant.
Coding change: c.1791G>A on transcript NM_001220.5 (MANE Select); coding-DNA position 1791, G replaced by A.
Protein change: p.Pro597=; no amino-acid change (proline 597 retained).
Molecular consequence: synonymous variant.
Genome position (GRCh38, 1-based): chr7:44,220,272, C>T on the plus strand (G>A on the coding strand, the complement: CAMK2B is on the minus strand). VCF-style: chr7-44220272-C-T. GRCh37 (hg19) VCF-style: chr7-44259871-C-T.
Other names: c.1791G>A (NM_001220.4); c.1419G>A, p.Pro473= (NM_001293170.2, NM_172078.3); c.1347G>A, p.Pro449= (NM_172079.3); c.1344G>A, p.Pro448= (NM_172080.3); c.1302G>A, p.Pro434= (NM_172081.3); c.1269G>A, p.Pro423= (NM_172082.3); c.1230G>A, p.Pro410= (NM_172083.3); c.1140G>A, p.Pro380= (NM_172084.3).
Identifiers: ClinVar variation 1192567 (VCV001192567.13), dbSNP rs1127065, ClinGen allele CA4240092.